The following is an entry in ClinVar:

ClinVar aggregate classification (germline): Pathogenic/Likely pathogenic. Review status: criteria provided, multiple submitters, no conflicts (2 of 4 stars). 2 submissions from 2 submitters: Pathogenic (1); Likely pathogenic (1). Last evaluated 2026-01-14.

Conditions:
GIGYF1-related neurodevelopmental disorder.

Submissions (2):

Ambry Genetics
Classification: Pathogenic. Last evaluated: 2026-01-14. Review status: criteria provided, single submitter. Criteria: Ambry Variant Classification Scheme 2023. Collection method: clinical testing. Allele origin: germline.
Comment: The c.763C>T (p.R255*) alteration, located in exon 8 (coding exon 8) of the GIGYF1 gene, consists of a C to T substitution at nucleotide position 763. This changes the amino acid from a arginine (R) to a stop codon at amino acid position 255. This alteration is expected to result in loss of function by premature protein truncation or nonsense-mediated mRNA decay. Based on data from gnomAD, the T allele has an overall frequency of <0.001% (1/247228) total alleles studied. The highest observed frequency was 0.001% (1/111158) of European (non-Finnish) alleles. This variant was reported in an individual with features consistent with GIGYF1-related neurodevelopmental disorder (Chen, 2022). Based on the available evidence, this alteration is classified as pathogenic.

Rady Children's Institute for Genomic Medicine, Rady Children's Hospital San Diego
Classification: Likely pathogenic for GIGYF1-related neurodevelopmental disorder. Last evaluated: 2025-03-11. Review status: criteria provided, single submitter. Criteria: ACMG Guidelines, 2015. Collection method: clinical testing. Allele origin: germline. Affected: yes.
Comment: This nonsense variant found in exon 8 of 24 is predicted to result in loss of normal protein function through either protein truncation or nonsense-mediated mRNA decay. Loss-of-function variation in GIGYF1 is an established mechanism of disease (PMID: 35917186, 36924980). This variant has been previously reported as a heterozygous change in patients with autism (PMID: 35917186). The c.763C>T (p.Arg255Ter) variant is present in the latest version of the gnomAD population database at an allele frequency of 0.0001% (2/1606238), and is absent in the homozygous state, thus is presumed to be rare. Based on the available evidence, c.763C>T (p.Arg255Ter) is classified as Likely Pathogenic.

Literature cited by the submitters: PubMed 35917186 (cited by Ambry Genetics and Rady Children's Institute for Genomic Medicine, Rady Children's Hospital San Diego); PubMed 36924980 (cited by Rady Children's Institute for Genomic Medicine, Rady Children's Hospital San Diego).

NM_022574.4:c.763C>T

Gene: GIGYF1 (GRB10 interacting GYF protein 1; minus strand).
Variant type: single nucleotide variant.
Identifiers: ClinVar variation 4814202 (VCV004814202.2).